The following is an entry in ClinVar:

NM_001083962.2(TCF4):c.1720A>G (p.Asn574Asp)

Gene: TCF4 (transcription factor 4; minus strand). Cytogenetic location: 18q21.2.
Variant type: single nucleotide variant.
Coding change: c.1720A>G on transcript NM_001083962.2 (MANE Select); coding-DNA position 1720, A replaced by G.
Protein change: p.Asn574Asp; replaces asparagine 574 with aspartic acid.
Molecular consequence: missense variant.
Genome position (GRCh38, 1-based): chr18:55,229,006, T>C on the plus strand (A>G on the coding strand, the complement: TCF4 is on the minus strand). VCF-style: chr18-55229006-T-C. GRCh37 (hg19) VCF-style: chr18-52896237-T-C.
Other names: c.2026A>G, p.Asn676Asp (NM_001243226.3); c.1648A>G, p.Asn550Asp (NM_001243227.2, NM_001348217.1, NM_001348218.2 and 1 more transcripts); c.1738A>G, p.Asn580Asp (NM_001243228.2); c.1699A>G, p.Asn567Asp (NM_001243230.2); c.1582A>G, p.Asn528Asp (NM_001243231.2); c.1507A>G, p.Asn503Asp (NM_001243232.1); c.1318A>G, p.Asn440Asp (NM_001243233.2, NM_001348212.2); c.1240A>G, p.Asn414Asp (NM_001243234.2, NM_001348216.2); and 14 more; short protein forms N440D, N503D, N528D, N567D, N569D, N570D, N573D, N409D.
Identifiers: ClinVar variation 949651 (VCV000949651.13), dbSNP rs2047119736, ClinGen allele CA402528937.
Genomic context (GRCh38, chr18:55,229,006, plus strand): 5'-TGCGGCCGAGCTCTTTGAAAGCCTCGTTGATGTCACGGACCCGCAGACGCTCTCGGGCAT[T>C]GTTGGCCATCCTCCGCTCCTTCTCACGCTCTGCCTTCTGCTCTGGTGTCAGGTCCTCATC-3'
Protein context (NP_001077431.1, residues 564-584): EREKERRMAN[Asn574Asp]ARERLRVRDI

ClinVar aggregate classification (germline): Pathogenic/Likely pathogenic. Review status: criteria provided, multiple submitters, no conflicts (2 of 4 stars). 3 submissions from 3 submitters: Pathogenic (1); Likely pathogenic (2). Last evaluated 2024-11-06.

Conditions:
Pitt-Hopkins syndrome (PTHS). Also called: ENCEPHALOPATHY, SEVERE EPILEPTIC, WITH AUTONOMIC DYSFUNCTION; MENTAL RETARDATION, SYNDROMAL, WITH INTERMITTENT HYPERVENTILATION. Identifiers: Orphanet 2896, MedGen C1970431, MONDO:0012589, OMIM 610954.
Inborn genetic diseases. Identifiers: MedGen C0950123, MeSH D030342.
TCF4-related disorder. Also called: TCF4-related condition.

Submissions (3):

Blueprint Genetics
Classification: Likely pathogenic for TCF4-related disorders. Last evaluated: 2024-11-06. Review status: criteria provided, single submitter. Criteria: ACMG Guidelines, 2015. Collection method: clinical testing. Allele origin: de novo. Affected: yes. Observed: 1 variant allele.

Labcorp Genetics (formerly Invitae), Labcorp
Classification: Pathogenic for Pitt-Hopkins syndrome. Last evaluated: 2019-07-16. Review status: criteria provided, single submitter. Criteria: Invitae Variant Classification Sherloc (09022015). Collection method: clinical testing. Allele origin: germline.
Comment: For these reasons, this variant has been classified as Pathogenic. Algorithms developed to predict the effect of missense changes on protein structure and function are either unavailable or do not agree on the potential impact of this missense change (SIFT: "Deleterious"; PolyPhen-2: "Probably Damaging"; Align-GVGD: "Class C0"). This variant has been observed to be de novo in individuals affected with clinical features of Pitt-Hopkins syndrome (Invitae). This variant is not present in population databases (ExAC no frequency). This sequence change replaces asparagine with aspartic acid at codon 574 of the TCF4 protein (p.Asn574Asp). The asparagine residue is highly conserved and there is a small physicochemical difference between asparagine and aspartic acid.

Ambry Genetics
Classification: Likely pathogenic for Inborn genetic diseases. Last evaluated: 2018-04-26. Review status: criteria provided, single submitter. Criteria: Ambry exome assertion method (8-5-2015). Collection method: clinical testing. Allele origin: germline. Affected: yes. Observed: 1 variant allele.

Literature cited by the submitters: PubMed 19235238 (cited by Ambry Genetics); PubMed 12848929 (cited by Ambry Genetics).